The following is an entry in ClinVar:

NM_007254.4(PNKP):c.1329C>T (p.Val443=)

Gene: PNKP (polynucleotide kinase 3'-phosphatase; minus strand). Cytogenetic location: 19q13.33.
Variant type: single nucleotide variant.
Coding change: c.1329C>T on transcript NM_007254.4 (MANE Select); coding-DNA position 1329, C replaced by T.
Protein change: p.Val443=; no amino-acid change (valine 443 retained).
Molecular consequence: synonymous variant.
Genome position (GRCh38, 1-based): chr19:49,861,665, G>A on the plus strand (C>T on the coding strand, the complement: PNKP is on the minus strand). VCF-style: chr19-49861665-G-A. GRCh37 (hg19) VCF-style: chr19-50364922-G-A.
Other names: p.V443V:GTC>GTT.
Identifiers: ClinVar variation 206374 (VCV000206374.12), dbSNP rs796052846, ClinGen allele CA316433.

ClinVar aggregate classification (germline): Benign/Likely benign. Review status: criteria provided, multiple submitters, no conflicts (2 of 4 stars). 2 submissions from 2 submitters: Benign (1); Likely benign (1). Last evaluated 2024-06-18.

Conditions:
Developmental and epileptic encephalopathy, 12 (DEE12). Identifiers: MedGen C3150988, MONDO:0013389, OMIM 613722.

Allele frequency attached by ClinVar (database versions not stated): gnomAD exomes 0.00001 and 0.00002; gnomAD 0.00003 and 0.00004; TOPMed 0.00004.
gnomAD v4.1: 24 of 1,548,776 alleles (0.0015%); highest among the groups gnomAD compares: East Asian, 0.0073%; no homozygotes.

Submissions (2):

Labcorp Genetics (formerly Invitae), Labcorp
Classification: Likely benign for Developmental and epileptic encephalopathy, 12. Last evaluated: 2024-06-18. Review status: criteria provided, single submitter. Criteria: Invitae Variant Classification Sherloc (09022015). Collection method: clinical testing. Allele origin: germline.

GeneDx
Classification: Benign. Last evaluated: 2014-08-25. Review status: criteria provided, single submitter. Criteria: GeneDx Variant Classification (06012015). Collection method: clinical testing. Allele origin: germline. Affected: yes.
Comment: This variant is considered likely benign or benign based on one or more of the following criteria: it is a conservative change, it occurs at a poorly conserved position in the protein, it is predicted to be benign by multiple in silico algorithms, and/or has population frequency not consistent with disease.